The following is an entry in ClinVar:

ClinVar aggregate classification (germline): Uncertain significance. Review status: criteria provided, multiple submitters, no conflicts (2 of 4 stars). 4 submissions from 4 submitters: Uncertain significance (4). Last evaluated 2025-11-17.

Conditions:
Epilepsy, childhood absence, susceptibility to, 6. Identifiers: Orphanet 64280, MedGen C2749872, MONDO:0012763, OMIM 611942.
Hyperaldosteronism, familial, type IV (HALD4). Also called: FH IV; ALDOSTERONISM, PRIMARY, AND HYPERTENSION. Identifiers: Orphanet 642671, MedGen C4310756, MONDO:0014875, OMIM 617027.
Idiopathic generalized epilepsy. Also called: EIG; Generalised epilepsy. Identifiers: MedGen C0270850, MONDO:0005579, OMIM 600669.
Inborn genetic diseases. Identifiers: MedGen C0950123, MeSH D030342.

Allele frequency attached by ClinVar (database versions not stated): gnomAD exomes 0.00004; ExAC 0.00005.
gnomAD v4.1: 18 of 1,611,704 alleles (0.0011%); highest among the groups gnomAD compares: Admixed American, 0.02%; no homozygotes.

Submissions (4):

Labcorp Genetics (formerly Invitae), Labcorp
Classification: Uncertain significance for Idiopathic generalized epilepsy; Hyperaldosteronism, familial, type IV. Last evaluated: 2025-11-17. Review status: criteria provided, single submitter. Criteria: Invitae Variant Classification Sherloc (09022015). Collection method: clinical testing. Allele origin: germline.
Comment: This sequence change replaces leucine, which is neutral and non-polar, with valine, which is neutral and non-polar, at codon 821 of the CACNA1H protein (p.Leu821Val). This variant is present in population databases (rs777617840, gnomAD 0.02%). This variant has not been reported in the literature in individuals affected with CACNA1H-related conditions. ClinVar contains an entry for this variant (Variation ID: 661236). Invitae Evidence Modeling of protein sequence and biophysical properties (such as structural, functional, and spatial information, amino acid conservation, physicochemical variation, residue mobility, and thermodynamic stability) indicates that this missense variant is expected to disrupt CACNA1H protein function with a positive predictive value of 80%. In summary, the available evidence is currently insufficient to determine the role of this variant in disease. Therefore, it has been classified as a Variant of Uncertain Significance.

Fulgent Genetics
Classification: Uncertain significance for Epilepsy, childhood absence, susceptibility to, 6; Hyperaldosteronism, familial, type IV. Last evaluated: 2024-01-26. Review status: criteria provided, single submitter. Criteria: ACMG Guidelines, 2015. Collection method: clinical testing. Allele origin: germline.

Ambry Genetics
Classification: Uncertain significance for Inborn genetic diseases. Last evaluated: 2021-09-14. Review status: criteria provided, single submitter. Criteria: Ambry Variant Classification Scheme 2023. Collection method: clinical testing. Allele origin: germline.

Athena Diagnostics
Classification: Uncertain significance. Last evaluated: 2019-01-08. Review status: criteria provided, single submitter. Criteria: Athena Diagnostics Criteria. Collection method: clinical testing. Allele origin: germline.

NM_021098.3(CACNA1H):c.2461C>G (p.Leu821Val)

Gene: CACNA1H (calcium voltage-gated channel subunit alpha1 H; plus strand). Cytogenetic location: 16p13.3.
Variant type: single nucleotide variant.
Coding change: c.2461C>G on transcript NM_021098.3 (MANE Select); coding-DNA position 2461, C replaced by G.
Protein change: p.Leu821Val; replaces leucine 821 with valine.
Molecular consequence: missense variant.
Genome position (GRCh38, 1-based): chr16:1,205,123, C>G. VCF-style: chr16-1205123-C-G. GRCh37 (hg19) VCF-style: chr16-1255123-C-G.
Other names: c.2461C>G, p.Leu821Val (NM_001005407.2); short protein forms L821V.
Identifiers: ClinVar variation 661236 (VCV000661236.13), dbSNP rs777617840, ClinGen allele CA7800298.